The following is an entry in ClinVar:

NM_018834.6(MATR3):c.2539A>G (p.Thr847Ala)

Gene: MATR3 (matrin 3; plus strand). Cytogenetic location: 5q31.2.
Variant type: single nucleotide variant.
Coding change: c.2539A>G on transcript NM_018834.6 (MANE Select); coding-DNA position 2539, A replaced by G.
Protein change: p.Thr847Ala; replaces threonine 847 with alanine.
Molecular consequence: missense variant.
Genome position (GRCh38, 1-based): chr5:139,329,390, A>G. VCF-style: chr5-139329390-A-G. GRCh37 (hg19) VCF-style: chr5-138665079-A-G.
Other names: c.2539A>G, p.Thr847Ala (NM_001194954.2, NM_001194955.2, NM_001400447.1 and 11 more transcripts); c.1675A>G, p.Thr559Ala (NM_001194956.2); c.1525A>G, p.Thr509Ala (NM_001282278.2, NM_001400462.1, NM_001400463.1 and 4 more transcripts); c.2683A>G, p.Thr895Ala (NM_001400441.1, NM_001400442.1, NM_001400443.1 and 2 more transcripts); c.1678A>G, p.Thr560Ala (NM_001400459.1); c.1669A>G, p.Thr557Ala (NM_001400460.1); c.1639A>G, p.Thr547Ala (NM_001400461.1); short protein forms T547A, T559A, T557A, T560A, T509A, T847A, T895A.
Identifiers: ClinVar variation 1942370 (VCV001942370.5), dbSNP rs919036863, ClinGen allele CA128247031.

ClinVar aggregate classification (germline): Uncertain significance (1 of 4 stars; one submission).

Conditions:
Amyotrophic lateral sclerosis type 21. Also called: MYOPATHY, DISTAL, 2; VOCAL CORD AND PHARYNGEAL DYSFUNCTION WITH DISTAL MYOPATHY. Identifiers: Orphanet 600, Orphanet 803, MedGen C3807521, MONDO:0011632, OMIM 606070.

Submission:

Labcorp Genetics (formerly Invitae), Labcorp
Classification: Uncertain significance for Amyotrophic lateral sclerosis type 21. Last evaluated: 2022-05-06. Review status: criteria provided, single submitter. Criteria: Invitae Variant Classification Sherloc (09022015). Collection method: clinical testing. Allele origin: germline.
Comment: In summary, the available evidence is currently insufficient to determine the role of this variant in disease. Therefore, it has been classified as a Variant of Uncertain Significance. Algorithms developed to predict the effect of missense changes on protein structure and function output the following: SIFT: "Tolerated"; PolyPhen-2: "Benign"; Align-GVGD: "Class C0". The alanine amino acid residue is found in multiple mammalian species, which suggests that this missense change does not adversely affect protein function. This missense change has been observed in individual(s) with amyotrophic lateral sclerosis (Invitae). This variant is not present in population databases (gnomAD no frequency). This sequence change replaces threonine, which is neutral and polar, with alanine, which is neutral and non-polar, at codon 847 of the MATR3 protein (p.Thr847Ala).